The following is an entry in ClinVar:

ClinVar aggregate classification (germline): Benign/Likely benign. Review status: criteria provided, multiple submitters, no conflicts (2 of 4 stars). 4 submissions from 4 submitters: Benign (1); Likely benign (2). 1 of the submissions does not count toward it. Last evaluated 2026-01-19.

Conditions:
L1CAM-related disorder. Also called: L1CAM-related condition.
Inborn genetic diseases. Identifiers: MedGen C0950123, MeSH D030342.
Spastic paraplegia. Identifiers: MedGen C0037772, HP:0001258.

Allele frequency attached by ClinVar (database versions not stated): gnomAD exomes 0.00006 and 0.00008; ExAC 0.00009; gnomAD 0.00015 and 0.00017; TOPMed 0.00015; ESP Exome Variant Server 0.00019.
gnomAD v4.1: 88 of 1,210,820 alleles (0.0073%); highest among the groups gnomAD compares: Middle Eastern, 0.14%; 1 homozygote.

Submissions (4):

Labcorp Genetics (formerly Invitae), Labcorp
Classification: Benign for Spastic paraplegia. Last evaluated: 2026-01-19. Review status: criteria provided, single submitter. Criteria: Invitae Variant Classification Sherloc (09022015). Collection method: clinical testing. Allele origin: germline.

CeGaT Center for Human Genetics Tuebingen
Classification: Likely benign. Last evaluated: 2023-04-01. Review status: criteria provided, single submitter. Criteria: CeGaT Center For Human Genetics Tuebingen Variant Classification Criteria Version 2. Collection method: clinical testing. Allele origin: germline. Affected: yes. Observed: 1 variant allele.
Comment: L1CAM: BP4, BP7, BS2

Ambry Genetics
Classification: Likely benign for Inborn genetic diseases. Last evaluated: 2019-05-02. Review status: criteria provided, single submitter. Criteria: Ambry Variant Classification Scheme 2023. Collection method: clinical testing. Allele origin: germline.

PreventionGenetics, part of Exact Sciences
Classification: Likely benign for L1CAM-related condition. Last evaluated: 2019-10-17. Review status: no assertion criteria provided. Collection method: clinical testing. Allele origin: germline. Not counted in ClinVar's aggregate classification.
Comment: This variant is classified as likely benign based on ACMG/AMP sequence variant interpretation guidelines (Richards et al. 2015 PMID: 25741868, with internal and published modifications).

NM_001278116.2(L1CAM):c.3327C>T (p.Arg1109=)

Gene: L1CAM (L1 cell adhesion molecule; minus strand). Cytogenetic location: Xq28.
Variant type: single nucleotide variant.
Coding change: c.3327C>T on transcript NM_001278116.2 (MANE Select); coding-DNA position 3327, C replaced by T.
Protein change: p.Arg1109=; no amino-acid change (arginine 1109 retained).
Molecular consequence: synonymous variant.
Genome position (GRCh38, 1-based): chrX:153,864,013, G>A on the plus strand (C>T on the coding strand, the complement: L1CAM is on the minus strand). VCF-style: chrX-153864013-G-A. GRCh37 (hg19) VCF-style: chrX-153129468-G-A.
Other names: c.3327C>T, p.Arg1109= (NM_000425.5, NM_024003.3); c.3312C>T, p.Arg1104= (NM_001143963.2).
Identifiers: ClinVar variation 700193 (VCV000700193.35), dbSNP rs150419364, ClinGen allele CA10553971.